The following is an entry in ClinVar:

NM_001273.5(CHD4):c.2949-1G>A

Gene: CHD4 (chromodomain helicase DNA binding protein 4; minus strand). Cytogenetic location: 12p13.31.
Variant type: single nucleotide variant.
Coding change: c.2949-1G>A on transcript NM_001273.5 (MANE Select); the canonical splice acceptor site of the intron before coding-DNA position 2949, G replaced by A.
Molecular consequence: splice acceptor variant.
Genome position (GRCh38, 1-based): chr12:6,592,058, C>T on the plus strand (G>A on the coding strand, the complement: CHD4 is on the minus strand). VCF-style: chr12-6592058-C-T. GRCh37 (hg19) VCF-style: chr12-6701224-C-T.
Other names: c.2910-1G>A (NM_001363606.2); c.2928-1G>A (NM_001297553.2).
Identifiers: ClinVar variation 1303840 (VCV001303840.4), dbSNP rs2136213885, ClinGen allele CA383587382.
Genomic context (GRCh38, chr12:6,592,058, plus strand): 5'-CCACCACCTCGGGCATTGAGTGCTTCAAAATTTCGAGTGAGGATGTACTTGTAGTATTTC[C>T]TACATGGGCAAGGTAGAAAGACAGGTTAGACTTGAGAGCCTTTCAATGACTAATAATGCA-3'

ClinVar aggregate classification (germline): Likely pathogenic (1 of 4 stars; one submission).

Allele frequency attached by ClinVar (database versions not stated): gnomAD exomes below 0.00001.
gnomAD v4.1: 1 of 1,614,098 alleles (0.000062%); highest among the groups gnomAD compares: Non-Finnish European, 0.000085%; no homozygotes.

Submission:

GeneDx
Classification: Likely pathogenic. Last evaluated: 2025-08-25. Review status: criteria provided, single submitter. Criteria: GeneDx Variant Classification Process June 2021. Collection method: clinical testing. Allele origin: germline. Affected: yes.
Comment: Canonical splice site variant predicted to result in a null allele in a gene for which loss of function is a known mechanism of disease; Not observed at significant frequency in large population cohorts (gnomAD); Has not been previously published as pathogenic or benign to our knowledge